The following is an entry in ClinVar:

NM_006766.5(KAT6A):c.3530G>A (p.Arg1177Gln)

Gene: KAT6A (lysine acetyltransferase 6A; minus strand). Cytogenetic location: 8p11.21.
Variant type: single nucleotide variant.
Coding change: c.3530G>A on transcript NM_006766.5 (MANE Select); coding-DNA position 3530, G replaced by A.
Protein change: p.Arg1177Gln; replaces arginine 1177 with glutamine.
Molecular consequence: missense variant.
Genome position (GRCh38, 1-based): chr8:41,934,690, C>T on the plus strand (G>A on the coding strand, the complement: KAT6A is on the minus strand). VCF-style: chr8-41934690-C-T. GRCh37 (hg19) VCF-style: chr8-41792208-C-T.
Other names: c.3530G>A (NM_006766.3); short protein forms R1177Q.
Identifiers: ClinVar variation 1920092 (VCV001920092.20), dbSNP rs773943197, ClinGen allele CA4729661.

ClinVar aggregate classification (germline): Likely benign. Review status: criteria provided, multiple submitters, no conflicts (2 of 4 stars). 3 submissions from 3 submitters: Likely benign (3). Last evaluated 2025-02-02.

Conditions:
Inborn genetic diseases. Identifiers: MedGen C0950123, MeSH D030342.

Allele frequency attached by ClinVar (database versions not stated): TOPMed below 0.00001; ExAC 0.00001; gnomAD 0.00001; gnomAD exomes 0.00001.
gnomAD v4.1: 11 of 1,614,016 alleles (0.00068%); highest among the groups gnomAD compares: East Asian, 0.0067%; no homozygotes.

Submissions (3):

Ambry Genetics
Classification: Likely benign for Inborn genetic diseases. Last evaluated: 2025-02-02. Review status: criteria provided, single submitter. Criteria: Ambry Variant Classification Scheme 2023. Collection method: clinical testing. Allele origin: germline.

Labcorp Genetics (formerly Invitae), Labcorp
Classification: Likely benign. Last evaluated: 2024-12-23. Review status: criteria provided, single submitter. Criteria: Invitae Variant Classification Sherloc (09022015). Collection method: clinical testing. Allele origin: germline.

CeGaT Center for Human Genetics Tuebingen
Classification: Likely benign. Last evaluated: 2024-09-01. Review status: criteria provided, single submitter. Criteria: CeGaT Center For Human Genetics Tuebingen Variant Classification Criteria Version 2. Collection method: clinical testing. Allele origin: germline. Affected: yes. Observed: 1 variant allele.
Comment: KAT6A: BP4